The following is an entry in ClinVar:

NM_001733.7(C1R):c.27G>A (p.Pro9=)

Gene: C1R (complement C1r; minus strand). Cytogenetic location: 12p13.31.
Variant type: single nucleotide variant.
Coding change: c.27G>A on transcript NM_001733.7 (MANE Select); coding-DNA position 27, G replaced by A.
Protein change: p.Pro9=; no amino-acid change (proline 9 retained).
Molecular consequence: synonymous variant.
Genome position (GRCh38, 1-based): chr12:7,091,656, C>T on the plus strand (G>A on the coding strand, the complement: C1R is on the minus strand). VCF-style: chr12-7091656-C-T. GRCh37 (hg19) VCF-style: chr12-7244252-C-T.
Other names: c.27G>A (NM_001733.4); c.69G>A, p.Pro23= (NM_001354346.2).
Identifiers: ClinVar variation 1175815 (VCV001175815.38), dbSNP rs146478898, ClinGen allele CA6424336.

ClinVar aggregate classification (germline): Benign/Likely benign. Review status: criteria provided, multiple submitters, no conflicts (2 of 4 stars). 5 submissions from 5 submitters: Benign (1); Likely benign (3). 1 of the submissions does not count toward it. Last evaluated 2026-09-01.

Conditions:
C1R-related disorder. Also called: C1R-related condition.

Allele frequency attached by ClinVar (database versions not stated): 1000 Genomes Project 30x 0.00172; 1000 Genomes Project 0.00180; gnomAD exomes 0.00302; gnomAD 0.00304 and 0.00314; ESP Exome Variant Server 0.00329; TOPMed 0.00335; ExAC 0.00363.

Submissions (5):

CeGaT Center for Human Genetics Tuebingen
Classification: Likely benign. Last evaluated: 2026-09-01. Review status: criteria provided, single submitter. Criteria: CeGaT Center For Human Genetics Tuebingen Variant Classification Criteria Version 2. Collection method: clinical testing. Allele origin: germline. Affected: yes. Observed: 26 variant alleles.
Comment: C1R: BP4, BP7, BS2

Women's Health and Genetics/Laboratory Corporation of America, LabCorp
Classification: Benign. Last evaluated: 2026-04-06. Review status: criteria provided, single submitter. Criteria: LabCorp Variant Classification Summary - May 2015. Collection method: clinical testing. Allele origin: germline.

Blueprint Genetics
Classification: Likely benign. Last evaluated: 2024-11-26. Review status: criteria provided, single submitter. Criteria: ACMG Guidelines, 2015. Collection method: clinical testing. Allele origin: germline.

Breakthrough Genomics
Classification: Likely benign. Review status: criteria provided, single submitter. Criteria: ACMG Guidelines, 2015. Collection method: not provided. Allele origin: germline. Inheritance: Autosomal dominant inheritance. Affected: yes.

PreventionGenetics, part of Exact Sciences
Classification: Likely benign for C1R-related condition. Last evaluated: 2019-03-19. Review status: no assertion criteria provided. Collection method: clinical testing. Allele origin: germline. Not counted in ClinVar's aggregate classification.
Comment: This variant is classified as likely benign based on ACMG/AMP sequence variant interpretation guidelines (Richards et al. 2015 PMID: 25741868, with internal and published modifications).